The following is an entry in ClinVar:

NM_005591.4(MRE11):c.1420G>A (p.Val474Met)

Gene: MRE11 (MRE11 double strand break repair nuclease; minus strand). Cytogenetic location: 11q21.
Variant type: single nucleotide variant.
Coding change: c.1420G>A on transcript NM_005591.4 (MANE Select); coding-DNA position 1420, G replaced by A.
Protein change: p.Val474Met; replaces valine 474 with methionine.
Molecular consequence: missense variant.
Genome position (GRCh38, 1-based): chr11:94,459,488, C>T on the plus strand (G>A on the coding strand, the complement: MRE11 is on the minus strand). VCF-style: chr11-94459488-C-T. GRCh37 (hg19) VCF-style: chr11-94192654-C-T.
Other names: c.1420G>A, p.Val474Met (NM_001330347.2, NM_005590.4); short protein forms V474M.
Identifiers: ClinVar variation 466430 (VCV000466430.15), dbSNP rs778781414, ClinGen allele CA382371853.

ClinVar aggregate classification (germline): Uncertain significance. Review status: criteria provided, multiple submitters, no conflicts (2 of 4 stars). 4 submissions from 4 submitters: Uncertain significance (4). Last evaluated 2025-07-31.

Conditions:
Ataxia-telangiectasia-like disorder (ATLD). Identifiers: MedGen C1858391, MONDO:0011457.
Ataxia-telangiectasia-like disorder 1 (ATLD1). Identifiers: Orphanet 251347, MedGen C4012790, MONDO:0024557, OMIM 604391.
Hereditary cancer-predisposing syndrome. Also called: Neoplastic Syndromes, Hereditary; Tumor predisposition; Hereditary Cancer Syndrome; Hereditary neoplastic syndrome. Identifiers: Orphanet 140162, MedGen C0027672, MeSH D009386, MONDO:0015356.

gnomAD v4.1: 31 of 1,614,068 alleles (0.0019%); highest among the groups gnomAD compares: Non-Finnish European, 0.0025%; no homozygotes.

Submissions (4):

Labcorp Genetics (formerly Invitae), Labcorp
Classification: Uncertain significance for Ataxia-telangiectasia-like disorder. Last evaluated: 2025-07-31. Review status: criteria provided, single submitter. Criteria: Invitae Variant Classification Sherloc (09022015). Collection method: clinical testing. Allele origin: germline.
Comment: This sequence change replaces valine, which is neutral and non-polar, with methionine, which is neutral and non-polar, at codon 474 of the MRE11 protein (p.Val474Met). This variant is present in population databases (no rsID available, gnomAD 0.002%). This variant has not been reported in the literature in individuals affected with MRE11-related conditions. ClinVar contains an entry for this variant (Variation ID: 466430). An algorithm developed to predict the effect of missense changes on protein structure and function (PolyPhen-2) suggests that this variant is likely to be disruptive. In summary, the available evidence is currently insufficient to determine the role of this variant in disease. Therefore, it has been classified as a Variant of Uncertain Significance.

Quest Diagnostics Nichols Institute San Juan Capistrano
Classification: Uncertain significance. Last evaluated: 2025-06-05. Review status: criteria provided, single submitter. Criteria: Quest Diagnostics criteria. Collection method: clinical testing. Allele origin: unknown.

Ambry Genetics
Classification: Uncertain significance for Hereditary cancer-predisposing syndrome. Last evaluated: 2024-02-04. Review status: criteria provided, single submitter. Criteria: Ambry Variant Classification Scheme 2023. Collection method: clinical testing. Allele origin: germline.
Comment: The p.V474M variant (also known as c.1420G>A), located in coding exon 12 of the MRE11A gene, results from a G to A substitution at nucleotide position 1420. The valine at codon 474 is replaced by methionine, an amino acid with highly similar properties. This amino acid position is well conserved in available vertebrate species. In addition, the in silico prediction for this alteration is inconclusive. Since supporting evidence is limited at this time, the clinical significance of this alteration remains unclear.

Fulgent Genetics
Classification: Uncertain significance for Ataxia-telangiectasia-like disorder 1. Last evaluated: 2018-10-31. Review status: criteria provided, single submitter. Criteria: ACMG Guidelines, 2015. Collection method: clinical testing. Allele origin: unknown.